The following is an entry in ClinVar:

NM_004006.3(DMD):c.5032C>T (p.Gln1678Ter)

Gene: DMD (dystrophin; minus strand). Cytogenetic location: Xp21.1.
Variant type: single nucleotide variant.
Coding change: c.5032C>T on transcript NM_004006.3 (MANE Select); coding-DNA position 5032, C replaced by T.
Protein change: p.Gln1678Ter; replaces glutamine 1678 with a stop codon.
Molecular consequence: nonsense.
Genome position (GRCh38, 1-based): chrX:32,364,704, G>A on the plus strand (C>T on the coding strand, the complement: DMD is on the minus strand). VCF-style: chrX-32364704-G-A. GRCh37 (hg19) VCF-style: chrX-32382821-G-A.
Other names: c.5008C>T, p.Gln1670Ter (NM_000109.4); c.5020C>T, p.Gln1674Ter (NM_004009.3); c.4663C>T, p.Gln1555Ter (NM_004010.3); c.1009C>T, p.Gln337Ter (NM_004011.4); c.1000C>T, p.Gln334Ter (NM_004012.4); short protein forms Q1678*, Q1670*, Q334*, Q1674*, Q1555*, Q337*.
Identifiers: ClinVar variation 281412 (VCV000281412.13), dbSNP rs886042154, ClinGen allele CA10603873.

ClinVar aggregate classification (germline): Pathogenic. Review status: criteria provided, multiple submitters, no conflicts (2 of 4 stars). 3 submissions from 3 submitters: Pathogenic (3). Last evaluated 2022-08-31.

Conditions:
Duchenne muscular dystrophy (DMD). Also called: Duchenne Muscular Dystrophy (DMD); MUSCULAR DYSTROPHY, PSEUDOHYPERTROPHIC PROGRESSIVE, DUCHENNE TYPE. Identifiers: Orphanet 98896, MedGen C0013264, MONDO:0010679, OMIM 310200.

Submissions (3):

Labcorp Genetics (formerly Invitae), Labcorp
Classification: Pathogenic for Duchenne muscular dystrophy. Last evaluated: 2022-08-31. Review status: criteria provided, single submitter. Criteria: Invitae Variant Classification Sherloc (09022015). Collection method: clinical testing. Allele origin: germline.
Comment: ClinVar contains an entry for this variant (Variation ID: 281412). For these reasons, this variant has been classified as Pathogenic. This premature translational stop signal has been observed in individual(s) with Duchenne muscular dystrophy (PMID: 11524473). This variant is not present in population databases (gnomAD no frequency). This sequence change creates a premature translational stop signal (p.Gln1678*) in the DMD gene. It is expected to result in an absent or disrupted protein product. Loss-of-function variants in DMD are known to be pathogenic (PMID: 16770791, 25007885).

Revvity Omics, Revvity
Classification: Pathogenic. Last evaluated: 2020-07-13. Review status: criteria provided, single submitter. Criteria: ACMG Guidelines, 2015. Collection method: clinical testing. Allele origin: germline.

Eurofins Ntd Llc (ga)
Classification: Pathogenic. Last evaluated: 2015-06-17. Review status: criteria provided, single submitter. Criteria: EGL Classification Definitions 2015. Collection method: clinical testing. Allele origin: germline. Observed: 2 variant alleles, 2 hemizygotes.

Literature cited by the submitters: PubMed 11524473 (cited by Labcorp Genetics (formerly Invitae), Labcorp and Eurofins Ntd Llc (ga)); PubMed 16770791 (cited by Labcorp Genetics (formerly Invitae), Labcorp); PubMed 25007885 (cited by Labcorp Genetics (formerly Invitae), Labcorp).